The following is an entry in ClinVar:

ClinVar aggregate classification (germline): Likely benign. Review status: criteria provided, multiple submitters, no conflicts (2 of 4 stars). 2 submissions from 2 submitters: Likely benign (2). Last evaluated 2026-03-24.

Conditions:
CRKL-related disorder. Also called: CRKL-related condition.

gnomAD v4.1: 67 of 1,608,030 alleles (0.0042%); highest among the groups gnomAD compares: East Asian, 0.13%; no homozygotes.

Submissions (2):

PreventionGenetics, part of Exact Sciences
Classification: Likely benign for CRKL-related condition. Last evaluated: 2026-03-24. Review status: criteria provided, single submitter. Criteria: ACMG Guidelines, 2015. Collection method: clinical testing. Allele origin: germline.
Comment: This variant is classified as likely benign based on ACMG/AMP sequence variant interpretation guidelines (Richards et al. 2015 PMID: 25741868, with internal and published modifications).

Labcorp Genetics (formerly Invitae), Labcorp
Classification: Likely benign. Last evaluated: 2025-11-23. Review status: criteria provided, single submitter. Criteria: Invitae Variant Classification Sherloc (09022015). Collection method: clinical testing. Allele origin: germline.

NM_005207.4(CRKL):c.900T>C (p.Asp300=)

Gene: CRKL (CRK like proto-oncogene, adaptor protein; plus strand). Cytogenetic location: 22q11.21.
Variant type: single nucleotide variant.
Coding change: c.900T>C on transcript NM_005207.4 (MANE Select); coding-DNA position 900, T replaced by C.
Protein change: p.Asp300=; no amino-acid change (aspartic acid 300 retained).
Molecular consequence: synonymous variant. On other transcripts: non-coding transcript variant (1).
Genome position (GRCh38, 1-based): chr22:20,949,833, T>C. VCF-style: chr22-20949833-T-C. GRCh37 (hg19) VCF-style: chr22-21304121-T-C.
Other names: c.900T>C (NM_005207.3).
Identifiers: ClinVar variation 3708380 (VCV003708380.3).